The following is an entry in ClinVar:

NM_001378454.1(ALMS1):c.7892C>T (p.Ala2631Val)

Gene: ALMS1 (ALMS1 centrosome and basal body associated protein; plus strand). Cytogenetic location: 2p13.1.
Variant type: single nucleotide variant.
Coding change: c.7892C>T on transcript NM_001378454.1 (MANE Select); coding-DNA position 7892, C replaced by T.
Protein change: p.Ala2631Val; replaces alanine 2631 with valine.
Molecular consequence: missense variant.
Genome position (GRCh38, 1-based): chr2:73,489,851, C>T. VCF-style: chr2-73489851-C-T. GRCh37 (hg19) VCF-style: chr2-73716978-C-T.
Other names: c.7895C>T, p.Ala2632Val (NM_015120.4); short protein forms A2632V, A2631V.
Identifiers: ClinVar variation 550574 (VCV000550574.10), dbSNP rs1027248513, ClinGen allele CA50377645.

ClinVar aggregate classification (germline): Uncertain significance. Review status: criteria provided, multiple submitters, no conflicts (2 of 4 stars). 6 submissions from 6 submitters: Uncertain significance (5). 1 of the submissions does not count toward it. Last evaluated 2025-05-08.

Conditions:
Cardiovascular phenotype. Identifiers: MedGen CN230736.
Alstrom syndrome (ALMS). Identifiers: Orphanet 64, MedGen C0268425, MONDO:0008763, OMIM 203800.

Allele frequency attached by ClinVar (database versions not stated): gnomAD exomes 0.00001 and 0.00002; gnomAD 0.00003; TOPMed 0.00005.
gnomAD v4.1: 33 of 1,614,060 alleles (0.002%); highest among the groups gnomAD compares: Non-Finnish European, 0.0027%; no homozygotes.

Submissions (6):

Ambry Genetics
Classification: Uncertain significance for Cardiovascular phenotype. Last evaluated: 2025-05-08. Review status: criteria provided, single submitter. Criteria: Ambry Variant Classification Scheme 2023. Collection method: clinical testing. Allele origin: germline.
Comment: The p.A2632V variant (also known as c.7895C>T), located in coding exon 10 of the ALMS1 gene, results from a C to T substitution at nucleotide position 7895. The alanine at codon 2632 is replaced by valine, an amino acid with similar properties. This amino acid position is poorly conserved in available vertebrate species. In addition, this alteration is predicted to be tolerated by in silico analysis. Since supporting evidence is limited at this time, the clinical significance of this alteration remains unclear.

Labcorp Genetics (formerly Invitae), Labcorp
Classification: Uncertain significance for Alstrom syndrome. Last evaluated: 2023-12-11. Review status: criteria provided, single submitter. Criteria: Invitae Variant Classification Sherloc (09022015). Collection method: clinical testing. Allele origin: germline.
Comment: This sequence change replaces alanine, which is neutral and non-polar, with valine, which is neutral and non-polar, at codon 2632 of the ALMS1 protein (p.Ala2632Val). This variant is present in population databases (no rsID available, gnomAD 0.002%). This variant has not been reported in the literature in individuals affected with ALMS1-related conditions. ClinVar contains an entry for this variant (Variation ID: 550574). Experimental studies and prediction algorithms are not available or were not evaluated, and the functional significance of this variant is currently unknown. Algorithms developed to predict the effect of sequence changes on RNA splicing suggest that this variant may create or strengthen a splice site. In summary, the available evidence is currently insufficient to determine the role of this variant in disease. Therefore, it has been classified as a Variant of Uncertain Significance.

Women's Health and Genetics/Laboratory Corporation of America, LabCorp
Classification: Uncertain significance. Last evaluated: 2023-10-29. Review status: criteria provided, single submitter. Criteria: LabCorp Variant Classification Summary - May 2015. Collection method: clinical testing. Allele origin: germline.

Blueprint Genetics
Classification: Uncertain significance. Last evaluated: 2022-03-02. Review status: criteria provided, single submitter. Criteria: ACMG Guidelines, 2015. Collection method: clinical testing. Allele origin: germline.

Fulgent Genetics
Classification: Uncertain significance for Alstrom syndrome. Last evaluated: 2022-01-06. Review status: criteria provided, single submitter. Criteria: ACMG Guidelines, 2015. Collection method: clinical testing. Allele origin: unknown.

Counsyl
Classification: Uncertain significance for Alstrom syndrome. Last evaluated: 2017-02-01. Review status: no assertion criteria provided. Collection method: clinical testing. Allele origin: unknown. Not counted in ClinVar's aggregate classification.